The following is an entry in ClinVar:

ClinVar aggregate classification (germline): Uncertain significance (1 of 4 stars; one submission).

Submission:

Labcorp Genetics (formerly Invitae), Labcorp
Classification: Uncertain significance. Last evaluated: 2022-03-06. Review status: criteria provided, single submitter. Criteria: Invitae Variant Classification Sherloc (09022015). Collection method: clinical testing. Allele origin: germline.
Comment: In summary, the available evidence is currently insufficient to determine the role of this variant in disease. Therefore, it has been classified as a Variant of Uncertain Significance. Algorithms developed to predict the effect of missense changes on protein structure and function are either unavailable or do not agree on the potential impact of this missense change (SIFT: "Tolerated"; PolyPhen-2: "Probably Damaging"; Align-GVGD: "Class C0"). This variant has not been reported in the literature in individuals affected with KAT6A-related conditions. This variant is not present in population databases (gnomAD no frequency). This sequence change replaces lysine, which is basic and polar, with methionine, which is neutral and non-polar, at codon 871 of the KAT6A protein (p.Lys871Met).

NM_006766.5(KAT6A):c.2612A>T (p.Lys871Met)

Gene: KAT6A (lysine acetyltransferase 6A; minus strand). Cytogenetic location: 8p11.21.
Variant type: single nucleotide variant.
Coding change: c.2612A>T on transcript NM_006766.5 (MANE Select); coding-DNA position 2612, A replaced by T.
Protein change: p.Lys871Met; replaces lysine 871 with methionine.
Molecular consequence: missense variant.
Genome position (GRCh38, 1-based): chr8:41,941,269, T>A on the plus strand (A>T on the coding strand, the complement: KAT6A is on the minus strand). VCF-style: chr8-41941269-T-A. GRCh37 (hg19) VCF-style: chr8-41798787-T-A.
Other names: short protein forms K871M.
Identifiers: ClinVar variation 2103882 (VCV002103882.4), dbSNP rs1456884397, ClinGen allele CA371072052.